The following is an entry in ClinVar:

NM_004393.6(DAG1):c.2572C>G (p.Pro858Ala)

Gene: DAG1 (dystroglycan 1; plus strand). Cytogenetic location: 3p21.31.
Variant type: single nucleotide variant.
Coding change: c.2572C>G on transcript NM_004393.6 (MANE Select); coding-DNA position 2572, C replaced by G.
Protein change: p.Pro858Ala; replaces proline 858 with alanine.
Molecular consequence: missense variant.
Genome position (GRCh38, 1-based): chr3:49,533,083, C>G. VCF-style: chr3-49533083-C-G. GRCh37 (hg19) VCF-style: chr3-49570516-C-G.
Other names: c.2572C>G, p.Pro858Ala (NM_001165928.4, NM_001177634.3, NM_001177635.3 and 18 more transcripts); short protein forms P858A.
Identifiers: ClinVar variation 4682245 (VCV004682245.1).
Genomic context (GRCh38, chr3:49,533,083, plus strand): 5'-GAGACCACTCCTCTGAACCAGGACACCATGGGAGAGTACACGCCCCTGCGGGATGAGGAT[C>G]CCAATGCGCCTCCCTACCAGCCCCCACCGCCCTTCACAGCACCCATGGAGGGCAAGGGCT-3'
Protein context (NP_004384.5, residues 848-868): GEYTPLRDED[Pro858Ala]NAPPYQPPPP

ClinVar aggregate classification (germline): Uncertain significance (1 of 4 stars; one submission).

Submission:

Athena Diagnostics
Classification: Uncertain significance. Last evaluated: 2025-01-03. Review status: criteria provided, single submitter. Criteria: Athena Diagnostics Criteria. Collection method: clinical testing. Allele origin: unknown.
Comment: Available data are insufficient to determine the clinical significance of the variant at this time. The frequency of this variant in the general population is uninformative in assessment of its pathogenicity. Polyphen and MutationTaster predict this amino acid change may be damaging to the protein.